The following is an entry in ClinVar:

ClinVar aggregate classification (germline): Uncertain significance (1 of 4 stars; one submission).

Allele frequency attached by ClinVar (database versions not stated): TOPMed 0.00001.

Submission:

Labcorp Genetics (formerly Invitae), Labcorp
Classification: Uncertain significance. Last evaluated: 2023-03-12. Review status: criteria provided, single submitter. Criteria: Invitae Variant Classification Sherloc (09022015). Collection method: clinical testing. Allele origin: germline.
Comment: ClinVar contains an entry for this variant (Variation ID: 1714083). In summary, the available evidence is currently insufficient to determine the role of this variant in disease. Therefore, it has been classified as a Variant of Uncertain Significance. Advanced modeling of protein sequence and biophysical properties (such as structural, functional, and spatial information, amino acid conservation, physicochemical variation, residue mobility, and thermodynamic stability) performed at Invitae indicates that this missense variant is not expected to disrupt MYO6 protein function. This variant has not been reported in the literature in individuals affected with MYO6-related conditions. This variant is not present in population databases (gnomAD no frequency). This sequence change replaces leucine, which is neutral and non-polar, with serine, which is neutral and polar, at codon 372 of the MYO6 protein (p.Leu372Ser).

NM_004999.4(MYO6):c.1115T>C (p.Leu372Ser)

Gene: MYO6 (myosin VI; plus strand). Cytogenetic location: 6q14.1.
Variant type: single nucleotide variant.
Coding change: c.1115T>C on transcript NM_004999.4 (MANE Select); coding-DNA position 1115, T replaced by C.
Protein change: p.Leu372Ser; replaces leucine 372 with serine.
Molecular consequence: missense variant. On other transcripts: non-coding transcript variant (1).
Genome position (GRCh38, 1-based): chr6:75,855,175, T>C. VCF-style: chr6-75855175-T-C. GRCh37 (hg19) VCF-style: chr6-76564892-T-C.
Other names: c.1115T>C, p.Leu372Ser (NM_001300899.2, NM_001368136.1, NM_001368137.1 and 2 more transcripts); c.1100T>C, p.Leu367Ser (NM_001368138.1); short protein forms L367S, L372S.
Identifiers: ClinVar variation 1714083 (VCV001714083.5), dbSNP rs1014537002, ClinGen allele CA141054987.